The following is an entry in ClinVar:

NM_001267550.2(TTN):c.69853G>A (p.Glu23285Lys)

Genes: TTN (titin; minus strand), TTN-AS1 (TTN antisense RNA 1; plus strand), LOC126806422 (BRD4-independent group 4 enhancer GRCh37_chr2:179440205-179441404; plus strand). Cytogenetic location: 2q31.2.
Variant type: single nucleotide variant.
Coding change: c.69853G>A on transcript NM_001267550.2 (MANE Select); coding-DNA position 69853, G replaced by A.
Protein change: p.Glu23285Lys; replaces glutamic acid 23285 with lysine.
Molecular consequence: missense variant.
Genome position (GRCh38, 1-based): chr2:178,576,279, C>T on the plus strand (G>A on the coding strand, the complement: TTN is on the minus strand). VCF-style: chr2-178576279-C-T. GRCh37 (hg19) VCF-style: chr2-179441006-C-T.
Other names: c.62149G>A, p.Glu20717Lys (NM_133378.4); c.64930G>A, p.Glu21644Lys (NM_001256850.1); c.42658G>A, p.Glu14220Lys (NM_003319.4); c.43033G>A, p.Glu14345Lys (NM_133432.3); c.43234G>A, p.Glu14412Lys (NM_133437.4); short protein forms E20717K, E23285K, E14412K, E14220K, E14345K, E21644K.
Identifiers: ClinVar variation 178194 (VCV000178194.13), dbSNP rs376870149, ClinGen allele CA181734.

ClinVar aggregate classification (germline): Conflicting classifications of pathogenicity. Review status: criteria provided, conflicting classifications (1 of 4 stars). 6 submissions from 6 submitters: Uncertain significance (4); Likely benign (2). Last evaluated 2026-08-03.

Conditions:
Dilated cardiomyopathy 1G (CMD1G). Identifiers: Orphanet 154, MedGen C1858763, MONDO:0011400, OMIM 604145.
Autosomal recessive limb-girdle muscular dystrophy type 2J (LGMDR10). Also called: Limb-girdle muscular dystrophy, type 2J; MUSCULAR DYSTROPHY, LIMB-GIRDLE, AUTOSOMAL RECESSIVE 10. Identifiers: Orphanet 140922, MedGen C1837342, MONDO:0012127, OMIM 608807.
TTN-related disorder. Also called: TTN-related condition; TTN-related disease; TTN-related disorders.
Cardiovascular phenotype. Identifiers: MedGen CN230736.

Allele frequency attached by ClinVar (database versions not stated): gnomAD exomes 0.00005; ExAC 0.00010; ESP Exome Variant Server 0.00017; gnomAD 0.00019 and 0.00020; TOPMed 0.00020; 1000 Genomes Project 30x 0.00031; 1000 Genomes Project 0.00040.
gnomAD v4.1: 103 of 1,604,368 alleles (0.0064%); highest among the groups gnomAD compares: African/African-American, 0.048%; no homozygotes.

Submissions (6):

PreventionGenetics, part of Exact Sciences
Classification: Uncertain significance for TTN-related condition. Last evaluated: 2026-08-03. Review status: criteria provided, single submitter. Criteria: ACMG Guidelines, 2015. Collection method: clinical testing. Allele origin: germline.
Comment: The TTN c.69853G>A variant is predicted to result in the amino acid substitution p.Glu23285Lys. To our knowledge, this variant has not been reported in the literature. This variant is reported in 0.034% of alleles in individuals of African descent in gnomAD. At this time, the clinical significance of this variant is uncertain due to the absence of conclusive functional and genetic evidence.

Revvity Omics, Revvity
Classification: Uncertain significance. Last evaluated: 2023-11-17. Review status: criteria provided, single submitter. Criteria: ACMG Guidelines, 2015. Collection method: clinical testing. Allele origin: germline.

GeneDx
Classification: Likely benign. Last evaluated: 2020-10-01. Review status: criteria provided, single submitter. Criteria: GeneDx Variant Classification Process June 2021. Collection method: clinical testing. Allele origin: germline. Affected: yes.

Ambry Genetics
Classification: Likely benign for Cardiovascular phenotype. Last evaluated: 2020-08-19. Review status: criteria provided, single submitter. Criteria: Ambry Variant Classification Scheme 2023. Collection method: clinical testing. Allele origin: germline.

Labcorp Genetics (formerly Invitae), Labcorp
Classification: Uncertain significance for Dilated cardiomyopathy 1G; Autosomal recessive limb-girdle muscular dystrophy type 2J. Last evaluated: 2017-12-11. Review status: criteria provided, single submitter. Criteria: Invitae Variant Classification Sherloc (09022015). Collection method: clinical testing. Allele origin: germline.

Laboratory for Molecular Medicine, Mass General Brigham Personalized Medicine
Classification: Uncertain significance. Last evaluated: 2013-06-12. Review status: criteria provided, single submitter. Criteria: LMM Criteria. Collection method: clinical testing. Allele origin: germline. Observed: 1 variant allele.
Comment: The Glu20717Lys variant in TTN has not been reported in individuals with cardiom yopathy, but has been identified in 2/3830 African American chromosomes by the N HLBI Exome Sequencing Project. Computational analyses (biochemical amino acid properties, conservation, AlignGVGD, and PolyP hen2) suggest that this variant may not impact the protein, though this informat ion is not predictive enough to rule out pathogenicity. Additional information i s needed to fully assess the clinical significance of the Glu20717Lys variant.